The following is an entry in ClinVar:

ClinVar aggregate classification (germline): Uncertain significance. Review status: criteria provided, multiple submitters, no conflicts (2 of 4 stars). 2 submissions from 2 submitters: Uncertain significance (2). Last evaluated 2024-01-22.

Conditions:
Inborn genetic diseases. Identifiers: MedGen C0950123, MeSH D030342.

Submissions (2):

Ambry Genetics
Classification: Uncertain significance for Inborn genetic diseases. Last evaluated: 2024-01-22. Review status: criteria provided, single submitter. Criteria: Ambry Variant Classification Scheme 2023. Collection method: clinical testing. Allele origin: germline.

Labcorp Genetics (formerly Invitae), Labcorp
Classification: Uncertain significance. Last evaluated: 2023-05-18. Review status: criteria provided, single submitter. Criteria: Invitae Variant Classification Sherloc (09022015). Collection method: clinical testing. Allele origin: germline.
Comment: This variant has not been reported in the literature in individuals affected with ADGRV1-related conditions. This sequence change replaces isoleucine, which is neutral and non-polar, with methionine, which is neutral and non-polar, at codon 3156 of the ADGRV1 protein (p.Ile3156Met). This variant is not present in population databases (gnomAD no frequency). ClinVar contains an entry for this variant (Variation ID: 1511913). Advanced modeling of protein sequence and biophysical properties (such as structural, functional, and spatial information, amino acid conservation, physicochemical variation, residue mobility, and thermodynamic stability) performed at Invitae indicates that this missense variant is not expected to disrupt ADGRV1 protein function. In summary, the available evidence is currently insufficient to determine the role of this variant in disease. Therefore, it has been classified as a Variant of Uncertain Significance.

NM_032119.4(ADGRV1):c.9468A>G (p.Ile3156Met)

Gene: ADGRV1 (adhesion G protein-coupled receptor V1; plus strand). Cytogenetic location: 5q14.3.
Variant type: single nucleotide variant.
Coding change: c.9468A>G on transcript NM_032119.4 (MANE Select); coding-DNA position 9468, A replaced by G.
Protein change: p.Ile3156Met; replaces isoleucine 3156 with methionine.
Molecular consequence: missense variant. On other transcripts: non-coding transcript variant (1).
Genome position (GRCh38, 1-based): chr5:90,720,068, A>G. VCF-style: chr5-90720068-A-G. GRCh37 (hg19) VCF-style: chr5-90015885-A-G.
Other names: c.9468A>G (NM_032119.3); short protein forms I3156M.
Identifiers: ClinVar variation 1511913 (VCV001511913.7), dbSNP rs1028595692, ClinGen allele CA122807958.